The following is an entry in ClinVar:

ClinVar aggregate classification (germline): Uncertain significance (1 of 4 stars; one submission).

Conditions:
Hereditary cancer-predisposing syndrome. Also called: Neoplastic Syndromes, Hereditary; Tumor predisposition; Hereditary neoplastic syndrome; Hereditary Cancer Syndrome. Identifiers: Orphanet 140162, MedGen C0027672, MeSH D009386, MONDO:0015356.

Submission:

Ambry Genetics
Classification: Uncertain significance for Hereditary cancer-predisposing syndrome. Last evaluated: 2026-07-05. Review status: criteria provided, single submitter. Criteria: Ambry Variant Classification Scheme 2023. Collection method: clinical testing. Allele origin: germline.
Comment: The p.D1165A variant (also known as c.3494A>C), located in coding exon 17 of the BLM gene, results from an A to C substitution at nucleotide position 3494. The aspartic acid at codon 1165 is replaced by alanine, an amino acid with dissimilar properties. This amino acid position is conserved. In addition, this alteration is predicted to be tolerated by in silico analysis. Based on the available evidence, the clinical significance of this variant remains unclear.

NM_000057.4(BLM):c.3494A>C (p.Asp1165Ala)

Gene: BLM (BLM RecQ like helicase; plus strand). Cytogenetic location: 15q26.1.
Variant type: single nucleotide variant.
Coding change: c.3494A>C on transcript NM_000057.4 (MANE Select); coding-DNA position 3494, A replaced by C.
Protein change: p.Asp1165Ala; replaces aspartic acid 1165 with alanine.
Molecular consequence: missense variant. On other transcripts: intron variant (1).
Genome position (GRCh38, 1-based): chr15:90,803,656, A>C. VCF-style: chr15-90803656-A-C. GRCh37 (hg19) VCF-style: chr15-91346886-A-C.
Other names: c.3494A>C, p.Asp1165Ala (NM_001287246.2); c.2369A>C, p.Asp790Ala (NM_001287248.2); c.3358+5319A>C (NM_001287247.2); short protein forms D790A, D1165A.
Identifiers: ClinVar variation 5032875 (VCV005032875.1).